The following is an entry in ClinVar:

NM_001282112.2(TOP3B):c.1281G>T (p.Leu427=)

Gene: TOP3B (DNA topoisomerase III beta; minus strand). Cytogenetic location: 22q11.22.
Variant type: single nucleotide variant.
Coding change: c.1281G>T on transcript NM_001282112.2 (MANE Select); coding-DNA position 1281, G replaced by T.
Protein change: p.Leu427=; no amino-acid change (leucine 427 retained).
Molecular consequence: synonymous variant. On other transcripts: non-coding transcript variant (1).
Genome position (GRCh38, 1-based): chr22:21,962,817, C>A on the plus strand (G>T on the coding strand, the complement: TOP3B is on the minus strand). VCF-style: chr22-21962817-C-A. GRCh37 (hg19) VCF-style: chr22-22317189-C-A.
Other names: c.1281G>T, p.Leu427= (NM_001282113.2, NM_001349845.2, NM_001349847.2 and 1 more transcripts); c.873G>T, p.Leu291= (NM_001349848.2, NM_001349850.2, NM_001349851.2 and 1 more transcripts).
Identifiers: ClinVar variation 3048772 (VCV003048772.2), dbSNP rs34867208, ClinGen allele CA10125648.
Genomic context (GRCh38, chr22:21,962,817, plus strand): 5'-GACGGTCTTCCCGGAGCAGGTGAAGAGCTCGGGCCCAATTCTGAAGGAGATGGTGCTCTG[C>A]AGGTACTTGCAGTCATGGCTGACCGTGGCGATGAAGTGTCTGGTGATGTACTCATAGAGC-3'
Protein context (NP_001269041.1, residues 417-437): IATVSHDCKY[Leu427=]QSTISFRIGP

ClinVar aggregate classification (germline): Likely benign (0 of 4 stars; one submission).

Conditions:
TOP3B-related disorder. Also called: TOP3B-related condition.

Allele frequency attached by ClinVar (database versions not stated): gnomAD exomes 0.00016; ExAC 0.00056; ESP Exome Variant Server 0.00146; 1000 Genomes Project 0.00160; 1000 Genomes Project 30x 0.00172.
gnomAD v4.1: 448 of 1,614,126 alleles (0.028%); highest among the groups gnomAD compares: African/African-American, 0.49%; 1 homozygote.

Submission:

PreventionGenetics, part of Exact Sciences
Classification: Likely benign for TOP3B-related condition. Last evaluated: 2019-11-25. Review status: no assertion criteria provided. Collection method: clinical testing. Allele origin: germline.
Comment: This variant is classified as likely benign based on ACMG/AMP sequence variant interpretation guidelines (Richards et al. 2015 PMID: 25741868, with internal and published modifications).